The following is an entry in ClinVar:

NM_177924.5(ASAH1):c.388A>T (p.Ile130Phe)

Gene: ASAH1 (N-acylsphingosine amidohydrolase 1; minus strand). Cytogenetic location: 8p22.
Variant type: single nucleotide variant.
Coding change: c.388A>T on transcript NM_177924.5 (MANE Select); coding-DNA position 388, A replaced by T.
Protein change: p.Ile130Phe; replaces isoleucine 130 with phenylalanine.
Molecular consequence: missense variant.
Genome position (GRCh38, 1-based): chr8:18,064,526, T>A on the plus strand (A>T on the coding strand, the complement: ASAH1 is on the minus strand). VCF-style: chr8-18064526-T-A. GRCh37 (hg19) VCF-style: chr8-17922035-T-A.
Other names: c.370A>T, p.Ile124Phe (NM_001127505.3); c.193A>T, p.Ile65Phe (NM_001363743.2); c.436A>T, p.Ile146Phe (NM_004315.6); c.388A>T (NM_177924.3); short protein forms I146F, I130F, I124F, I65F.
Identifiers: ClinVar variation 1414186 (VCV001414186.8), dbSNP rs1361939719, ClinGen allele CA370431840.

ClinVar aggregate classification (germline): Uncertain significance. Review status: criteria provided, multiple submitters, no conflicts (2 of 4 stars). 3 submissions from 3 submitters: Uncertain significance (3). Last evaluated 2022-04-25.

Conditions:
Inborn genetic diseases. Identifiers: MedGen C0950123, MeSH D030342.

Allele frequency attached by ClinVar (database versions not stated): TOPMed below 0.00001; gnomAD 0.00001; gnomAD exomes 0.00001.
gnomAD v4.1: 18 of 1,528,416 alleles (0.0012%); highest among the groups gnomAD compares: Non-Finnish European, 0.0014%; no homozygotes.

Submissions (3):

Ambry Genetics
Classification: Uncertain significance for Inborn genetic diseases. Last evaluated: 2022-04-25. Review status: criteria provided, single submitter. Criteria: Ambry Variant Classification Scheme 2023. Collection method: clinical testing. Allele origin: germline.

Labcorp Genetics (formerly Invitae), Labcorp
Classification: Uncertain significance. Last evaluated: 2022-03-20. Review status: criteria provided, single submitter. Criteria: Invitae Variant Classification Sherloc (09022015). Collection method: clinical testing. Allele origin: germline.
Comment: This sequence change replaces isoleucine, which is neutral and non-polar, with phenylalanine, which is neutral and non-polar, at codon 130 of the ASAH1 protein (p.Ile130Phe). This variant is present in population databases (no rsID available, gnomAD 0.0009%). This variant has not been reported in the literature in individuals affected with ASAH1-related conditions. Algorithms developed to predict the effect of missense changes on protein structure and function are either unavailable or do not agree on the potential impact of this missense change (SIFT: "Deleterious"; PolyPhen-2: "Possibly Damaging"; Align-GVGD: "Class C0"). In summary, the available evidence is currently insufficient to determine the role of this variant in disease. Therefore, it has been classified as a Variant of Uncertain Significance.

Revvity Omics, Revvity
Classification: Uncertain significance. Last evaluated: 2021-02-23. Review status: criteria provided, single submitter. Criteria: ACMG Guidelines, 2015. Collection method: clinical testing. Allele origin: germline.